The following is an entry in ClinVar:

NM_020937.4(FANCM):c.4649C>T (p.Thr1550Ile)

Gene: FANCM (FA complementation group M; plus strand). Cytogenetic location: 14q21.2.
Variant type: single nucleotide variant.
Coding change: c.4649C>T on transcript NM_020937.4 (MANE Select); coding-DNA position 4649, C replaced by T.
Protein change: p.Thr1550Ile; replaces threonine 1550 with isoleucine.
Molecular consequence: missense variant.
Genome position (GRCh38, 1-based): chr14:45,185,350, C>T. VCF-style: chr14-45185350-C-T. GRCh37 (hg19) VCF-style: chr14-45654553-C-T.
Other names: c.4571C>T, p.Thr1524Ile (NM_001308133.2); short protein forms T1524I, T1550I.
Identifiers: ClinVar variation 4871031 (VCV004871031.1).

ClinVar aggregate classification (germline): Uncertain significance (1 of 4 stars; one submission).

Conditions:
Inborn genetic diseases. Identifiers: MedGen C0950123, MeSH D030342.

Submission:

Ambry Genetics
Classification: Uncertain significance for Inborn genetic diseases. Last evaluated: 2026-03-17. Review status: criteria provided, single submitter. Criteria: Ambry Variant Classification Scheme 2023. Collection method: clinical testing. Allele origin: germline.
Comment: The p.T1550I variant (also known as c.4649C>T), located in coding exon 18 of the FANCM gene, results from a C to T substitution at nucleotide position 4649. The threonine at codon 1550 is replaced by isoleucine, an amino acid with similar properties. This amino acid position is conserved. In addition, this alteration is predicted to be tolerated by in silico analysis. Based on the available evidence, the clinical significance of this variant remains unclear.